The following is an entry in ClinVar:

ClinVar aggregate classification (germline): Likely benign (1 of 4 stars; one submission).

gnomAD v4.1: 4 of 1,611,818 alleles (0.00025%); highest among the groups gnomAD compares: Non-Finnish European, 0.00034%; no homozygotes.

Submission:

CeGaT Center for Human Genetics Tuebingen
Classification: Likely benign. Last evaluated: 2025-03-01. Review status: criteria provided, single submitter. Criteria: CeGaT Center For Human Genetics Tuebingen Variant Classification Criteria Version 2. Collection method: clinical testing. Allele origin: germline. Affected: yes. Observed: 1 variant allele.
Comment: NOC2L: BP4, BP7

NM_015658.4(NOC2L):c.925C>T (p.Leu309=)

Gene: NOC2L (NOC2 like nucleolar associated transcriptional repressor; minus strand). Cytogenetic location: 1p36.33.
Variant type: single nucleotide variant.
Coding change: c.925C>T on transcript NM_015658.4 (MANE Select); coding-DNA position 925, C replaced by T.
Protein change: p.Leu309=; no amino-acid change (leucine 309 retained).
Molecular consequence: synonymous variant.
Genome position (GRCh38, 1-based): chr1:953,252, G>A on the plus strand (C>T on the coding strand, the complement: NOC2L is on the minus strand). VCF-style: chr1-953252-G-A. GRCh37 (hg19) VCF-style: chr1-888632-G-A.
Identifiers: ClinVar variation 3778237 (VCV003778237.7).
Genomic context (GRCh38, chr1:953,252, plus strand): 5'-GGAAAGTGTCCTTCTTGTGCCGGCAGACTCTGCTGAGGACCAGGAAAGCCAGCACCCGCA[G>A]AGACTCTTCCCCAGTGCTCCATACGATCACCATTCTCTGCAGAAGGTCAGACGTCACTGG-3'
Protein context (NP_056473.3, residues 299-319): VIVWSTGEES[Leu309=]RVLAFLVLSR